The following is an entry in ClinVar:

ClinVar aggregate classification (germline): Uncertain significance. Review status: criteria provided, multiple submitters, no conflicts (2 of 4 stars). 3 submissions from 3 submitters: Uncertain significance (3). Last evaluated 2024-06-26.

Conditions:
Epidermolysis bullosa simplex 5C, with pyloric atresia (EBS5C). Also called: PLEC1-Related Epidermolysis Bullosa with Pyloric Atresia; Epidermolysis bullosa simplex with pyloric atresia; PLEC-Related Epidermolysis Bullosa with Pyloric Atresia. Identifiers: Orphanet 158684, MedGen C2677349, MONDO:0012807, OMIM 612138.
Epidermolysis bullosa simplex with nail dystrophy (EBS5D). Identifiers: MedGen C4225309, MONDO:0014661, OMIM 616487.
Epidermolysis bullosa simplex 5B, with muscular dystrophy (EBS5B). Also called: EPIDERMOLYSIS BULLOSA SIMPLEX AND LIMB-GIRDLE MUSCULAR DYSTROPHY; Epidermolysis bullosa simplex with muscular dystrophy. Identifiers: Orphanet 257, MedGen C2931072, MONDO:0009181, OMIM 226670.
Epidermolysis bullosa simplex, Ogna type (EBS5A). Also called: Pidermolysis bullosa simplex 5A, Ogna type; EPIDERMOLYSIS BULLOSA SIMPLEX 5A, OGNA TYPE. Identifiers: Orphanet 79401, MedGen C0432317, MONDO:0007555, OMIM 131950.
Autosomal recessive limb-girdle muscular dystrophy type 2Q (LGMDR17). Also called: MUSCULAR DYSTROPHY, LIMB-GIRDLE, AUTOSOMAL RECESSIVE 17. Identifiers: Orphanet 254361, MedGen C3150989, MONDO:0013390, OMIM 613723.
Inborn genetic diseases. Identifiers: MedGen C0950123, MeSH D030342.

Allele frequency attached by ClinVar (database versions not stated): gnomAD exomes below 0.00001; ExAC 0.00001; gnomAD 0.00003; TOPMed 0.00005.
gnomAD v4.1: 4 of 1,612,392 alleles (0.00025%); highest among the groups gnomAD compares: Admixed American, 0.0067%; no homozygotes.

Submissions (3):

Ambry Genetics
Classification: Uncertain significance for Inborn genetic diseases. Last evaluated: 2024-06-26. Review status: criteria provided, single submitter. Criteria: Ambry Variant Classification Scheme 2023. Collection method: clinical testing. Allele origin: germline.

Labcorp Genetics (formerly Invitae), Labcorp
Classification: Uncertain significance for Autosomal recessive limb-girdle muscular dystrophy type 2Q; Epidermolysis bullosa simplex, Ogna type; Epidermolysis bullosa simplex with nail dystrophy; Epidermolysis bullosa simplex 5C, with pyloric atresia; Epidermolysis bullosa simplex 5B, with muscular dystrophy. Last evaluated: 2022-08-03. Review status: criteria provided, single submitter. Criteria: Invitae Variant Classification Sherloc (09022015). Collection method: clinical testing. Allele origin: germline.
Comment: In summary, the available evidence is currently insufficient to determine the role of this variant in disease. Therefore, it has been classified as a Variant of Uncertain Significance. Algorithms developed to predict the effect of missense changes on protein structure and function (SIFT, PolyPhen-2, Align-GVGD) all suggest that this variant is likely to be disruptive. ClinVar contains an entry for this variant (Variation ID: 834250). This variant has not been reported in the literature in individuals affected with PLEC-related conditions. This variant is present in population databases (rs782467077, gnomAD 0.003%). This sequence change replaces lysine, which is basic and polar, with glutamic acid, which is acidic and polar, at codon 4403 of the PLEC protein (p.Lys4403Glu).

GeneDx
Classification: Uncertain significance. Last evaluated: 2019-03-06. Review status: criteria provided, single submitter. Criteria: GeneDx Variant Classification Process June 2021. Collection method: clinical testing. Allele origin: germline. Affected: yes.
Comment: Not observed at a significant frequency in large population cohorts (Lek et al., 2016; McVean et al., 2012; Exome Variant Server); In silico analysis, which includes protein predictors and evolutionary conservation, supports that this variant does not alter protein structure/function; Has not been previously published as pathogenic or benign to our knowledge

NM_201384.3(PLEC):c.13126A>G (p.Lys4376Glu)

Gene: PLEC (plectin; minus strand). Cytogenetic location: 8q24.3.
Variant type: single nucleotide variant.
Coding change: c.13126A>G on transcript NM_201384.3 (MANE Select); coding-DNA position 13126, A replaced by G.
Protein change: p.Lys4376Glu; replaces lysine 4376 with glutamic acid.
Molecular consequence: missense variant.
Genome position (GRCh38, 1-based): chr8:143,916,695, T>C on the plus strand (A>G on the coding strand, the complement: PLEC is on the minus strand). VCF-style: chr8-143916695-T-C. GRCh37 (hg19) VCF-style: chr8-144990863-T-C.
Other names: c.13207A>G, p.Lys4403Glu (NM_000445.5); c.13084A>G, p.Lys4362Glu (NM_201378.4); c.13060A>G, p.Lys4354Glu (NM_201379.3); c.13537A>G, p.Lys4513Glu (NM_201380.4); c.13030A>G, p.Lys4344Glu (NM_201381.3); c.13126A>G, p.Lys4376Glu (NM_201382.4); c.13138A>G, p.Lys4380Glu (NM_201383.3); short protein forms K4344E, K4380E, K4403E, K4362E, K4513E, K4354E, K4376E.
Identifiers: ClinVar variation 834250 (VCV000834250.12), dbSNP rs782467077, ClinGen allele CA4923901.